The following is an entry in ClinVar:

ClinVar aggregate classification (germline): Uncertain significance. Review status: criteria provided, multiple submitters, no conflicts (2 of 4 stars). 2 submissions from 2 submitters: Uncertain significance (2). Last evaluated 2025-06-03.

Conditions:
GLUT1 deficiency syndrome 1, autosomal recessive. Identifiers: MedGen C3149117.

gnomAD v4.1: 1 of 1,614,106 alleles (0.000062%); no homozygotes.

Submissions (2):

GeneDx
Classification: Uncertain significance. Last evaluated: 2025-06-03. Review status: criteria provided, single submitter. Criteria: GeneDx Variant Classification Process June 2021. Collection method: clinical testing. Allele origin: germline. Affected: yes.
Comment: Not observed at significant frequency in large population cohorts (gnomAD); In silico analysis supports that this missense variant has a deleterious effect on protein structure/function; Has not been previously published as pathogenic or benign to our knowledge

Labcorp Genetics (formerly Invitae), Labcorp
Classification: Uncertain significance for GLUT1 deficiency syndrome 1, autosomal recessive. Last evaluated: 2024-05-06. Review status: criteria provided, single submitter. Criteria: Invitae Variant Classification Sherloc (09022015). Collection method: clinical testing. Allele origin: germline.
Comment: This sequence change replaces isoleucine, which is neutral and non-polar, with threonine, which is neutral and polar, at codon 179 of the SLC2A1 protein (p.Ile179Thr). This variant is not present in population databases (gnomAD no frequency). This variant has not been reported in the literature in individuals affected with SLC2A1-related conditions. Advanced modeling of protein sequence and biophysical properties (such as structural, functional, and spatial information, amino acid conservation, physicochemical variation, residue mobility, and thermodynamic stability) performed at Invitae indicates that this missense variant is expected to disrupt SLC2A1 protein function with a positive predictive value of 95%. In summary, the available evidence is currently insufficient to determine the role of this variant in disease. Therefore, it has been classified as a Variant of Uncertain Significance.

NM_006516.4(SLC2A1):c.536T>C (p.Ile179Thr)

Gene: SLC2A1 (solute carrier family 2 member 1; minus strand). Cytogenetic location: 1p34.2.
Variant type: single nucleotide variant.
Coding change: c.536T>C on transcript NM_006516.4 (MANE Select); coding-DNA position 536, T replaced by C.
Protein change: p.Ile179Thr; replaces isoleucine 179 with threonine.
Molecular consequence: missense variant.
Genome position (GRCh38, 1-based): chr1:42,930,016, A>G on the plus strand (T>C on the coding strand, the complement: SLC2A1 is on the minus strand). VCF-style: chr1-42930016-A-G. GRCh37 (hg19) VCF-style: chr1-43395687-A-G.
Other names: short protein forms I179T.
Identifiers: ClinVar variation 4536538 (VCV004536538.2).